The following is an entry in ClinVar:

NM_033305.3(VPS13A):c.2607_2615del (p.Gln870_Gln872del)

Gene: VPS13A (vacuolar protein sorting 13 homolog A; plus strand). Cytogenetic location: 9q21.2.
Variant type: Deletion.
Coding change: c.2607_2615del on transcript NM_033305.3 (MANE Select); coding-DNA positions 2607 to 2615, 9 bases deleted (ACAAAAGCA; older notation c.2607_2615delACAAAAGCA).
Protein change: p.Gln870_Gln872del.
Molecular consequence: inframe deletion.
Genome position (GRCh38, 1-based): chr9:77,275,592-77,275,600, ACAAAAGCA deleted. VCF-style (leftmost placement, unchanged base first): chr9-77275591-TACAAAAGCA-T. GRCh37 (hg19) VCF-style: chr9-79890507-TACAAAAGCA-T.
Other names: c.2607_2615del, p.Gln870_Gln872del (NM_001018037.2, NM_001018038.3, NM_015186.4).
Identifiers: ClinVar variation 2157789 (VCV002157789.1), dbSNP rs1355574224, ClinGen allele CA867099404.

ClinVar aggregate classification (germline): Uncertain significance (1 of 4 stars; one submission).

Allele frequency attached by ClinVar (database versions not stated): TOPMed 0.00002.

Submission:

Labcorp Genetics (formerly Invitae), Labcorp
Classification: Uncertain significance. Last evaluated: 2022-04-21. Review status: criteria provided, single submitter. Criteria: Invitae Variant Classification Sherloc (09022015). Collection method: clinical testing. Allele origin: germline.
Comment: This variant, c.2607_2616delinsC, is a complex sequence change that results in the deletion of 4 and insertion of 1 amino acid(s) in the VPS13A protein (p.Leu869_Gln872delinsPhe). This variant is not present in population databases (gnomAD no frequency). This variant has not been reported in the literature in individuals affected with VPS13A-related conditions. Experimental studies and prediction algorithms are not available or were not evaluated, and the functional significance of this variant is currently unknown. In summary, the available evidence is currently insufficient to determine the role of this variant in disease. Therefore, it has been classified as a Variant of Uncertain Significance.